The following is an entry in ClinVar:

ClinVar aggregate classification (germline): Uncertain significance (1 of 4 stars; one submission).

Submission:

GeneDx
Classification: Uncertain significance. Last evaluated: 2024-11-04. Review status: criteria provided, single submitter. Criteria: GeneDx Variant Classification Process June 2021. Collection method: clinical testing. Allele origin: germline. Affected: yes.
Comment: Not observed at significant frequency in large population cohorts (gnomAD); In-frame deletion of 15 amino acid(s) in a non-repeat region; In silico analysis supports a deleterious effect on protein structure/function; Has not been previously published as pathogenic or benign to our knowledge

NM_017617.5(NOTCH1):c.3772_3816del (p.Gly1258_Leu1272del)

Gene: NOTCH1 (notch receptor 1; minus strand). Cytogenetic location: 9q34.3.
Variant type: Deletion.
Coding change: c.3772_3816del on transcript NM_017617.5 (MANE Select); coding-DNA positions 3772 to 3816, 45 bases deleted.
Protein change: p.Gly1258_Leu1272del.
Genome position (GRCh38, 1-based): chr9:136,506,801-136,506,845, 45 bases deleted; deleting any 45 consecutive bases within chr9:136,506,801-136,506,846 gives the same sequence; the c. name uses the placement nearest the transcript's 3' end. GRCh37 (hg19): chr9:139,401,254-139,401,298.
Identifiers: ClinVar variation 3897424 (VCV003897424.1).